The following is an entry in ClinVar:

NC_000001.10:g.(?_113464592)_(113464775_?)del

Gene: SLC16A1 (solute carrier family 16 member 1; minus strand). Cytogenetic location: 1p13.2.
Variant type: Deletion.
Identifiers: ClinVar variation 3247946 (VCV003247946.1).

ClinVar aggregate classification (germline): Uncertain significance (1 of 4 stars; one submission).

Submission:

Labcorp Genetics (formerly Invitae), Labcorp
Classification: Uncertain significance. Last evaluated: 2023-09-01. Review status: criteria provided, single submitter. Criteria: Invitae Variant Classification Sherloc (09022015). Collection method: clinical testing. Allele origin: unknown.
Comment: In summary, the available evidence is currently insufficient to determine the role of this variant in disease. Therefore, it has been classified as a Variant of Uncertain Significance. Experimental studies and prediction algorithms are not available or were not evaluated, and the functional significance of this variant is currently unknown. This variant has not been reported in the literature in individuals affected with SLC16A1-related conditions. This variant is a gross deletion of the genomic region encompassing exon(s) 3 of the SLC16A1 gene. This variant would be expected to be in-frame, preserving the integrity of the reading frame.